The following is an entry in ClinVar:

NM_022788.5(P2RY12):c.448G>C (p.Ala150Pro)

Genes: MED12L (mediator complex subunit 12L; plus strand), P2RY12 (purinergic receptor P2Y12; minus strand). Cytogenetic location: 3q25.1.
Variant type: single nucleotide variant.
Coding change: c.448G>C on transcript NM_022788.5 (MANE Select); coding-DNA position 448, G replaced by C.
Protein change: p.Ala150Pro; replaces alanine 150 with proline.
Molecular consequence: missense variant. On other transcripts: intron variant (2).
Genome position (GRCh38, 1-based): chr3:151,338,398, C>G on the plus strand (G>C on the coding strand, the complement: P2RY12 is on the minus strand). VCF-style: chr3-151338398-C-G. GRCh37 (hg19) VCF-style: chr3-151056186-C-G.
Other names: c.448G>C, p.Ala150Pro (NM_176876.3); c.2251-11661C>G (NM_001393769.1); c.2146-11661C>G (NM_053002.6); short protein forms A150P.
Identifiers: ClinVar variation 2174888 (VCV002174888.4), dbSNP rs1159031994, ClinGen allele CA354981589.

ClinVar aggregate classification (germline): Uncertain significance (1 of 4 stars; one submission).

Allele frequency attached by ClinVar (database versions not stated): gnomAD exomes below 0.00001; TOPMed 0.00001.
gnomAD v4.1: 7 of 1,614,056 alleles (0.00043%); highest among the groups gnomAD compares: Non-Finnish European, 0.00051%; no homozygotes.

Submission:

Labcorp Genetics (formerly Invitae), Labcorp
Classification: Uncertain significance. Last evaluated: 2024-06-24. Review status: criteria provided, single submitter. Criteria: Invitae Variant Classification Sherloc (09022015). Collection method: clinical testing. Allele origin: germline.
Comment: This sequence change replaces alanine, which is neutral and non-polar, with proline, which is neutral and non-polar, at codon 150 of the P2RY12 protein (p.Ala150Pro). This variant is present in population databases (no rsID available, gnomAD 0.0009%). This variant has not been reported in the literature in individuals affected with P2RY12-related conditions. ClinVar contains an entry for this variant (Variation ID: 2174888). An algorithm developed to predict the effect of missense changes on protein structure and function (PolyPhen-2) suggests that this variant is likely to be disruptive. In summary, the available evidence is currently insufficient to determine the role of this variant in disease. Therefore, it has been classified as a Variant of Uncertain Significance.